The following is an entry in ClinVar:

NM_015971.4(MRPS7):c.214C>A (p.Gln72Lys)

Gene: MRPS7 (mitochondrial ribosomal protein S7; plus strand). Cytogenetic location: 17q25.1.
Variant type: single nucleotide variant.
Coding change: c.214C>A on transcript NM_015971.4 (MANE Select); coding-DNA position 214, C replaced by A.
Protein change: p.Gln72Lys; replaces glutamine 72 with lysine.
Molecular consequence: missense variant.
Genome position (GRCh38, 1-based): chr17:75,262,627, C>A. VCF-style: chr17-75262627-C-A. GRCh37 (hg19) VCF-style: chr17-73258708-C-A.
Other names: short protein forms Q72K.
Identifiers: ClinVar variation 4743156 (VCV004743156.1).

ClinVar aggregate classification (germline): Uncertain significance (1 of 4 stars; one submission).

Submission:

Labcorp Genetics (formerly Invitae), Labcorp
Classification: Uncertain significance. Last evaluated: 2025-05-12. Review status: criteria provided, single submitter. Criteria: Invitae Variant Classification Sherloc (09022015). Collection method: clinical testing. Allele origin: germline.
Comment: This sequence change replaces glutamine, which is neutral and polar, with lysine, which is basic and polar, at codon 72 of the MRPS7 protein (p.Gln72Lys). This variant is not present in population databases (gnomAD no frequency). This variant has not been reported in the literature in individuals affected with MRPS7-related conditions. Invitae Evidence Modeling of protein sequence and biophysical properties (such as structural, functional, and spatial information, amino acid conservation, physicochemical variation, residue mobility, and thermodynamic stability) indicates that this missense variant is not expected to disrupt MRPS7 protein function with a negative predictive value of 80%. In summary, the available evidence is currently insufficient to determine the role of this variant in disease. Therefore, it has been classified as a Variant of Uncertain Significance.